The following is an entry in ClinVar:

NM_013432.5(TONSL):c.750+2T>C

Gene: TONSL (tonsoku like, DNA repair protein; minus strand). Cytogenetic location: 8q24.3.
Variant type: single nucleotide variant.
Coding change: c.750+2T>C on transcript NM_013432.5 (MANE Select); the canonical splice donor site of the intron after coding-DNA position 750, T replaced by C.
Molecular consequence: splice donor variant.
Genome position (GRCh38, 1-based): chr8:144,442,239, A>G on the plus strand (T>C on the coding strand, the complement: TONSL is on the minus strand). VCF-style: chr8-144442239-A-G. GRCh37 (hg19) VCF-style: chr8-145667622-A-G.
Identifiers: ClinVar variation 3653497 (VCV003653497.2).
Genomic context (GRCh38, chr8:144,442,239, plus strand): 5'-TGCAGAATCCCCAAGGCCCGAATCTACGAGAGCCTGAGCTCGGAGCCACGCACAGCGGGT[A>G]CCTGTGCAATAACCACGCAGCACTCGCTCTCCATGAACCGCTTCCTCATGGTGTGCGCAC-3'

ClinVar aggregate classification (germline): Likely pathogenic (1 of 4 stars; one submission).

Submission:

Labcorp Genetics (formerly Invitae), Labcorp
Classification: Likely pathogenic. Last evaluated: 2025-11-01. Review status: criteria provided, single submitter. Criteria: Invitae Variant Classification Sherloc (09022015). Collection method: clinical testing. Allele origin: germline.
Comment: This sequence change affects a donor splice site in intron 6 of the TONSL gene. It is expected to disrupt RNA splicing. Variants that disrupt the donor or acceptor splice site typically lead to a loss of protein function (PMID: 16199547), and loss-of-function variants in TONSL are known to be pathogenic (PMID: 30773277). This variant is not present in population databases (gnomAD no frequency). This variant has not been reported in the literature in individuals affected with TONSL-related conditions. ClinVar contains an entry for this variant (Variation ID: 3653497). Algorithms developed to predict the effect of sequence changes on RNA splicing suggest that this variant may disrupt the consensus splice site. In summary, the currently available evidence indicates that the variant is pathogenic, but additional data are needed to prove that conclusively. Therefore, this variant has been classified as Likely Pathogenic.

Literature cited by the submitters: PubMed 16199547; PubMed 30773277.